The following is an entry in ClinVar:

ClinVar aggregate classification (germline): Uncertain significance (1 of 4 stars; one submission).

Allele frequency attached by ClinVar (database versions not stated): TOPMed 0.00002; ExAC 0.00003; gnomAD 0.00003; gnomAD exomes 0.00004; 1000 Genomes Project 0.00060; 1000 Genomes Project 30x 0.00062.
gnomAD v4.1: 59 of 1,614,134 alleles (0.0037%); highest among the groups gnomAD compares: Admixed American, 0.017%; no homozygotes.

Submission:

Labcorp Genetics (formerly Invitae), Labcorp
Classification: Uncertain significance. Last evaluated: 2023-11-17. Review status: criteria provided, single submitter. Criteria: Invitae Variant Classification Sherloc (09022015). Collection method: clinical testing. Allele origin: germline.
Comment: This sequence change replaces lysine, which is basic and polar, with glutamic acid, which is acidic and polar, at codon 62 of the DIABLO protein (p.Lys62Glu). This variant is present in population databases (rs189391249, gnomAD 0.01%). This variant has not been reported in the literature in individuals affected with DIABLO-related conditions. An algorithm developed to predict the effect of missense changes on protein structure and function (PolyPhen-2) suggests that this variant is likely to be tolerated. In summary, the available evidence is currently insufficient to determine the role of this variant in disease. Therefore, it has been classified as a Variant of Uncertain Significance.

NM_001371333.1(DIABLO):c.184A>G (p.Lys62Glu)

Gene: DIABLO (diablo IAP-binding mitochondrial protein; minus strand). Cytogenetic location: 12q24.31.
Variant type: single nucleotide variant.
Coding change: c.184A>G on transcript NM_001371333.1 (MANE Select); coding-DNA position 184, A replaced by G.
Protein change: p.Lys62Glu; replaces lysine 62 with glutamic acid.
Molecular consequence: missense variant. On other transcripts: 5 prime UTR variant (1), intron variant (2).
Genome position (GRCh38, 1-based): chr12:122,218,397, T>C on the plus strand (A>G on the coding strand, the complement: DIABLO is on the minus strand). VCF-style: chr12-122218397-T-C. GRCh37 (hg19) VCF-style: chr12-122702944-T-C.
Other names: c.-36A>G (NM_001278303.1); c.25A>G, p.Lys9Glu (NM_001278304.2, NM_138930.3); c.184A>G, p.Lys62Glu (NM_019887.6); c.184-1528A>G (NM_001278342.1); c.25-1528A>G (NM_001278302.1); short protein forms K62E, K9E.
Identifiers: ClinVar variation 2715054 (VCV002715054.3), dbSNP rs189391249, ClinGen allele CA6843987.